The following is an entry in ClinVar:

ClinVar aggregate classification (germline): Uncertain significance (1 of 4 stars; one submission).

gnomAD v4.1: 3 of 1,603,070 alleles (0.00019%); highest among the groups gnomAD compares: Admixed American, 0.0052%; no homozygotes.

Submission:

Labcorp Genetics (formerly Invitae), Labcorp
Classification: Uncertain significance. Last evaluated: 2026-01-03. Review status: criteria provided, single submitter. Criteria: Invitae Variant Classification Sherloc (09022015). Collection method: clinical testing. Allele origin: germline.
Comment: This sequence change replaces arginine, which is basic and polar, with serine, which is neutral and polar, at codon 271 of the A4GALT protein (p.Arg271Ser). This variant is present in population databases (rs745485742, gnomAD 0.01%). This variant has not been reported in the literature in individuals affected with A4GALT-related conditions. An algorithm developed to predict the effect of missense changes on protein structure and function (PolyPhen-2) suggests that this variant is likely to be tolerated. In summary, the available evidence is currently insufficient to determine the role of this variant in disease. Therefore, it has been classified as a Variant of Uncertain Significance.

NM_017436.7(A4GALT):c.811C>A (p.Arg271Ser)

Gene: A4GALT (alpha 1,4-galactosyltransferase (P1PK blood group); minus strand). Cytogenetic location: 22q13.2.
Variant type: single nucleotide variant.
Coding change: c.811C>A on transcript NM_017436.7 (MANE Select); coding-DNA position 811, C replaced by A.
Protein change: p.Arg271Ser; replaces arginine 271 with serine.
Molecular consequence: missense variant.
Genome position (GRCh38, 1-based): chr22:42,693,141, G>T on the plus strand (C>A on the coding strand, the complement: A4GALT is on the minus strand). VCF-style: chr22-42693141-G-T. GRCh37 (hg19) VCF-style: chr22-43089147-G-T.
Other names: c.811C>A, p.Arg271Ser (NM_001318038.3); short protein forms R271S.
Identifiers: ClinVar variation 4763399 (VCV004763399.1).